The following is an entry in ClinVar:

ClinVar aggregate classification (germline): Likely pathogenic. Review status: criteria provided, multiple submitters, no conflicts (2 of 4 stars). 2 submissions from 2 submitters: Likely pathogenic (2). Last evaluated 2025-07-23.

Conditions:
Microcephaly, short stature, and impaired glucose metabolism 1 (MSSGM1). Identifiers: Orphanet 391408, MedGen C4014997, MONDO:0000208, OMIM 616033.

gnomAD v4.1: 8 of 1,610,192 alleles (0.0005%); highest among the groups gnomAD compares: East Asian, 0.013%; no homozygotes.

Submissions (2):

Victorian Clinical Genetics Services, Murdoch Childrens Research Institute
Classification: Likely pathogenic for Microcephaly, short stature, and impaired glucose metabolism 1. Last evaluated: 2025-07-23. Review status: criteria provided, single submitter. Criteria: ACMG Guidelines, 2015. Collection method: clinical testing. Allele origin: germline. Affected: yes.
Comment: This variant is classified as Likely pathogenic. Evidence in support of pathogenic classification: Canonical splice site variant without proven consequence on splicing (no functional evidence available); Variant is present in gnomAD <0.01 for a recessive condition (v4: 8 heterozygote(s), 0 homozygote(s)); This variant has limited previous evidence of pathogenicity in unrelated individual(s). This variant has been reported in the literature in one homozygous individual with diabetes mellitus, microcephaly, intellectual disability, short stature and a history of a febrile seizures (PMID: 33067246). It has also been reported in one heterozygous individual from a large cohort of patients with non-type 1 diabetes mellitus (PMID: 38821874); Abnormal splicing is predicted by in silico tool and affected nucleotide is highly conserved; Strong phenotype match for this individual. Additional information: This variant is heterozygous; This gene is associated with autosomal recessive disease; No published evidence of segregation with disease has been identified for this variant; No published functional evidence has been identified for this variant; No comparable splice variants have previous evidence for pathogenicity; Loss of function is a known mechanism of disease in this gene and is associated with microcephaly, short stature, and impaired glucose metabolism 1 (MIM#616033); Heterozygous variant detected in trans with a second LIKELY PATHOGENIC heterozygous variant (NM_001134665.3(TRMT10A):c.420+1G>A) in a recessive disease.

Juno Genomics, Hangzhou Juno Genomics, Inc
Classification: Likely pathogenic for Microcephaly, short stature, and impaired glucose metabolism 1. Review status: criteria provided, single submitter. Criteria: ACMG Guidelines, 2015. Collection method: clinical testing. Allele origin: germline.
Comment: Absent from controls (or at extremely low frequency if recessive) in Genome Aggregation Database.;Null variant in a gene where loss of function (LOF) is a known mechanism of disease.;For recessive disorders, detected in trans with a pathogenic variant.;Patient's phenotype or family history is highly specific for a disease with a single genetic etiology.

Literature cited by the submitters: PubMed 38821874 (cited by Victorian Clinical Genetics Services, Murdoch Childrens Research Institute); PubMed 33067246 (cited by Victorian Clinical Genetics Services, Murdoch Childrens Research Institute).

NM_001134665.3(TRMT10A):c.496-1G>A

Gene: TRMT10A (tRNA methyltransferase 10A; minus strand). Cytogenetic location: 4q23.
Variant type: single nucleotide variant.
Coding change: c.496-1G>A on transcript NM_001134665.3 (MANE Select); the canonical splice acceptor site of the intron before coding-DNA position 496, G replaced by A.
Molecular consequence: splice acceptor variant.
Genome position (GRCh38, 1-based): chr4:99,553,935, C>T on the plus strand (G>A on the coding strand, the complement: TRMT10A is on the minus strand). VCF-style: chr4-99553935-C-T. GRCh37 (hg19) VCF-style: chr4-100475092-C-T.
Other names: c.496-1G>A (NM_001134666.3, NM_001375882.1, NM_001375881.1 and 2 more transcripts).
Identifiers: ClinVar variation 4531959 (VCV004531959.3).